The following is an entry in ClinVar:

NM_001371623.1(TCOF1):c.1993G>T (p.Ala665Ser)

Gene: TCOF1 (treacle ribosome biogenesis factor 1; plus strand). Cytogenetic location: 5q32.
Variant type: single nucleotide variant.
Coding change: c.1993G>T on transcript NM_001371623.1 (MANE Select); coding-DNA position 1993, G replaced by T.
Protein change: p.Ala665Ser; replaces alanine 665 with serine.
Molecular consequence: missense variant.
Genome position (GRCh38, 1-based): chr5:150,376,181, G>T. VCF-style: chr5-150376181-G-T. GRCh37 (hg19) VCF-style: chr5-149755744-G-T.
Other names: c.1762G>T, p.Ala588Ser (NM_000356.4, NM_001135245.2); c.1993G>T, p.Ala665Ser (NM_001008657.3, NM_001135243.2, NM_001135244.2 and 1 more transcripts); short protein forms A588S, A665S.
Identifiers: ClinVar variation 1357291 (VCV001357291.11), dbSNP rs2071240, ClinGen allele CA3511073.
Genomic context (GRCh38, chr5:150,376,181, plus strand): 5'-CCAAAGAAAACCAATACCACTGCATCTGCCAAGGTCGCCCCTGTGCGAGTGGGCACCCAA[G>T]CCCCCCGGAAAGCAGGAACTGCGACTTCTCCAGCAGGCTCATCCCCAGCTGTGGCTGGGG-3'
Protein context (NP_001358552.1, residues 655-675): KVAPVRVGTQ[Ala665Ser]PRKAGTATSP

ClinVar aggregate classification (germline): Uncertain significance. Review status: criteria provided, multiple submitters, no conflicts (2 of 4 stars). 3 submissions from 3 submitters: Uncertain significance (3). Last evaluated 2026-03-09.

Conditions:
TCOF1-related disorder. Also called: TCOF1-related condition.
Treacher Collins syndrome 1 (TCS1). Also called: TCOF1-Related Treacher Collins Syndrome. Identifiers: Orphanet 861, MedGen CN315775, MONDO:0007944, OMIM 154500.

gnomAD v4.1: 109 of 1,614,062 alleles (0.0068%); highest among the groups gnomAD compares: Non-Finnish European, 0.0089%; no homozygotes.

Submissions (3):

PreventionGenetics, part of Exact Sciences
Classification: Uncertain significance for TCOF1-related condition. Last evaluated: 2026-03-09. Review status: criteria provided, single submitter. Criteria: ACMG Guidelines, 2015. Collection method: clinical testing. Allele origin: germline.
Comment: The TCOF1 c.1993G>T variant is predicted to result in the amino acid substitution p.Ala665Ser. To our knowledge, this variant has not been reported in the literature. This variant is reported in 0.0054% of alleles in individuals of European (Non-Finnish) descent in gnomAD. At this time, the clinical significance of this variant is uncertain due to the absence of conclusive functional and genetic evidence.

GeneDx
Classification: Uncertain significance. Last evaluated: 2022-05-03. Review status: criteria provided, single submitter. Criteria: GeneDx Variant Classification Process June 2021. Collection method: clinical testing. Allele origin: germline. Affected: yes.
Comment: In silico analysis supports that this missense variant does not alter protein structure/function; Has not been previously published as pathogenic or benign to our knowledge

Labcorp Genetics (formerly Invitae), Labcorp
Classification: Uncertain significance for Treacher Collins syndrome 1. Last evaluated: 2021-05-18. Review status: criteria provided, single submitter. Criteria: Invitae Variant Classification Sherloc (09022015). Collection method: clinical testing. Allele origin: germline.
Comment: This sequence change replaces alanine with serine at codon 665 of the TCOF1 protein (p.Ala665Ser). The alanine residue is moderately conserved and there is a moderate physicochemical difference between alanine and serine. This variant is present in population databases (rs2071240, ExAC 0.01%). This variant has not been reported in the literature in individuals with TCOF1-related conditions. Algorithms developed to predict the effect of missense changes on protein structure and function output the following: SIFT: "Tolerated"; PolyPhen-2: "Possibly Damaging"; Align-GVGD: "Class C0". The serine amino acid residue is found in multiple mammalian species, suggesting that this missense change does not adversely affect protein function. These predictions have not been confirmed by published functional studies and their clinical significance is uncertain. In summary, the available evidence is currently insufficient to determine the role of this variant in disease. Therefore, it has been classified as a Variant of Uncertain Significance.